The following is an entry in ClinVar:

ClinVar aggregate classification (germline): Uncertain significance. Review status: criteria provided, multiple submitters, no conflicts (2 of 4 stars). 3 submissions from 3 submitters: Uncertain significance (3). Last evaluated 2025-06-15.

Conditions:
MYO7A-related disorder. Also called: MYO7A-related disorders.

Allele frequency attached by ClinVar (database versions not stated): gnomAD 0.00003 and 0.00004; TOPMed 0.00004; gnomAD exomes 0.00005; ESP Exome Variant Server 0.00008; ExAC 0.00016.
gnomAD v4.1: 66 of 1,559,628 alleles (0.0042%); highest among the groups gnomAD compares: Middle Eastern, 0.018%; no homozygotes.

Submissions (3):

Labcorp Genetics (formerly Invitae), Labcorp
Classification: Uncertain significance. Last evaluated: 2025-06-15. Review status: criteria provided, single submitter. Criteria: Invitae Variant Classification Sherloc (09022015). Collection method: clinical testing. Allele origin: germline.
Comment: This sequence change replaces arginine, which is basic and polar, with cysteine, which is neutral and slightly polar, at codon 900 of the MYO7A protein (p.Arg900Cys). This variant is present in population databases (rs372849154, gnomAD 0.01%). This variant has not been reported in the literature in individuals affected with MYO7A-related conditions. ClinVar contains an entry for this variant (Variation ID: 1408328). Invitae Evidence Modeling of protein sequence and biophysical properties (such as structural, functional, and spatial information, amino acid conservation, physicochemical variation, residue mobility, and thermodynamic stability) has been performed for this missense variant. However, the output from this modeling did not meet the statistical confidence thresholds required to predict the impact of this variant on MYO7A protein function. In summary, the available evidence is currently insufficient to determine the role of this variant in disease. Therefore, it has been classified as a Variant of Uncertain Significance.

PreventionGenetics, part of Exact Sciences
Classification: Uncertain significance for MYO7A-related condition. Last evaluated: 2024-12-31. Review status: criteria provided, single submitter. Criteria: ACMG Guidelines, 2015. Collection method: clinical testing. Allele origin: germline.
Comment: The MYO7A c.2698C>T variant is predicted to result in the amino acid substitution p.Arg900Cys. To our knowledge, this variant has not been reported in the literature. This variant is reported in 0.010% of alleles in individuals of European (Non-Finnish) descent in gnomAD. At this time, the clinical significance of this variant is uncertain due to the absence of conclusive functional and genetic evidence.

Blueprint Genetics
Classification: Uncertain significance. Last evaluated: 2023-06-12. Review status: criteria provided, single submitter. Criteria: ACMG Guidelines, 2015. Collection method: clinical testing. Allele origin: germline.

NM_000260.4(MYO7A):c.2698C>T (p.Arg900Cys)

Gene: MYO7A (myosin VIIA; plus strand). Cytogenetic location: 11q13.5.
Variant type: single nucleotide variant.
Coding change: c.2698C>T on transcript NM_000260.4 (MANE Select); coding-DNA position 2698, C replaced by T.
Protein change: p.Arg900Cys; replaces arginine 900 with cysteine.
Molecular consequence: missense variant.
Genome position (GRCh38, 1-based): chr11:77,181,383, C>T. VCF-style: chr11-77181383-C-T. GRCh37 (hg19) VCF-style: chr11-76892429-C-T.
Other names: c.2698C>T, p.Arg900Cys (NM_001127180.2); c.2665C>T, p.Arg889Cys (NM_001369365.1); c.2698C>T (NM_000260.3); short protein forms R889C, R900C.
Identifiers: ClinVar variation 1408328 (VCV001408328.7), dbSNP rs372849154, ClinGen allele CA6197912.